The following is an entry in ClinVar:

ClinVar aggregate classification (germline): Likely benign (0 of 4 stars; one submission).

Conditions:
CDH1-related disorder. Also called: CDH1-related condition.

Submission:

PreventionGenetics, part of Exact Sciences
Classification: Likely benign for CDH1-related condition. Last evaluated: 2023-05-23. Review status: no assertion criteria provided. Collection method: clinical testing. Allele origin: germline.
Comment: This variant is classified as likely benign based on ACMG/AMP sequence variant interpretation guidelines (Richards et al. 2015 PMID: 25741868, with internal and published modifications).

NM_004360.5(CDH1):c.-10C>A

Genes: CDH1 (cadherin 1; plus strand), LOC130059290 (ATAC-STARR-seq lymphoblastoid silent region 7650; plus strand). Cytogenetic location: 16q22.1.
Variant type: single nucleotide variant.
Coding change: c.-10C>A on transcript NM_004360.5 (MANE Select); 10 bases upstream of the start codon, C replaced by A.
Molecular consequence: 5 prime UTR variant.
Genome position (GRCh38, 1-based): chr16:68,737,406, C>A. VCF-style: chr16-68737406-C-A. GRCh37 (hg19) VCF-style: chr16-68771309-C-A.
Other names: c.-10C>A (NM_001317184.2); c.-1625C>A (NM_001317185.2); c.-1829C>A (NM_001317186.2).
Identifiers: ClinVar variation 3046276 (VCV003046276.2), dbSNP rs1962421928, ClinGen allele CA2633898158.